The following is an entry in ClinVar:

NM_174878.3(CLRN1):c.22A>G (p.Ile8Val)

Genes: CLRN1 (clarin 1; minus strand), CLRN1-AS1 (CLRN1 antisense RNA 1; plus strand). Cytogenetic location: 3q25.1.
Variant type: single nucleotide variant.
Coding change: c.22A>G on transcript NM_174878.3 (MANE Select); coding-DNA position 22, A replaced by G.
Protein change: p.Ile8Val; replaces isoleucine 8 with valine.
Molecular consequence: missense variant. On other transcripts: non-coding transcript variant (2).
Genome position (GRCh38, 1-based): chr3:150,972,687, T>C on the plus strand (A>G on the coding strand, the complement: CLRN1 is on the minus strand). VCF-style: chr3-150972687-T-C. GRCh37 (hg19) VCF-style: chr3-150690474-T-C.
Other names: c.22A>G, p.Ile8Val (NM_001195794.1, NM_001256819.2); short protein forms I8V.
Identifiers: ClinVar variation 2786461 (VCV002786461.3), dbSNP rs2472831575, ClinGen allele CA355012241.

ClinVar aggregate classification (germline): Uncertain significance (1 of 4 stars; one submission).

Allele frequency attached by ClinVar (database versions not stated): gnomAD exomes below 0.00001.

Submission:

Labcorp Genetics (formerly Invitae), Labcorp
Classification: Uncertain significance. Last evaluated: 2023-12-25. Review status: criteria provided, single submitter. Criteria: Invitae Variant Classification Sherloc (09022015). Collection method: clinical testing. Allele origin: germline.
Comment: This sequence change replaces isoleucine, which is neutral and non-polar, with valine, which is neutral and non-polar, at codon 8 of the CLRN1 protein (p.Ile8Val). This variant is not present in population databases (gnomAD no frequency). This variant has not been reported in the literature in individuals affected with CLRN1-related conditions. Algorithms developed to predict the effect of missense changes on protein structure and function output the following: SIFT: "Not Available"; PolyPhen-2: "Benign"; Align-GVGD: "Not Available". The valine amino acid residue is found in multiple mammalian species, which suggests that this missense change does not adversely affect protein function. In summary, the available evidence is currently insufficient to determine the role of this variant in disease. Therefore, it has been classified as a Variant of Uncertain Significance.